The following is an entry in ClinVar:

NM_001114753.3(ENG):c.1395C>A (p.Asn465Lys)

Genes: ENG (endoglin; minus strand), LOC102723566 (uncharacterized LOC102723566; plus strand). Cytogenetic location: 9q34.11.
Variant type: single nucleotide variant.
Coding change: c.1395C>A on transcript NM_001114753.3 (MANE Select); coding-DNA position 1395, C replaced by A.
Protein change: p.Asn465Lys; replaces asparagine 465 with lysine.
Molecular consequence: missense variant.
Genome position (GRCh38, 1-based): chr9:127,818,749, G>T on the plus strand (C>A on the coding strand, the complement: ENG is on the minus strand). VCF-style: chr9-127818749-G-T. GRCh37 (hg19) VCF-style: chr9-130581028-G-T.
Other names: c.1395C>A, p.Asn465Lys (NM_000118.4); c.849C>A, p.Asn283Lys (NM_001278138.2); short protein forms N465K, N283K.
Identifiers: ClinVar variation 5036006 (VCV005036006.1).

ClinVar aggregate classification (germline): Uncertain significance (1 of 4 stars; one submission).

Conditions:
Cardiovascular phenotype. Identifiers: MedGen CN230736.

Submission:

Ambry Genetics
Classification: Uncertain significance for Cardiovascular phenotype. Last evaluated: 2026-09-13. Review status: criteria provided, single submitter. Criteria: Ambry Variant Classification Scheme 2023. Collection method: clinical testing. Allele origin: germline.
Comment: The p.N465K variant (also known as c.1395C>A), located in coding exon 11 of the ENG gene, results from a C to A substitution at nucleotide position 1395. The asparagine at codon 465 is replaced by lysine, an amino acid with similar properties. This amino acid position is conserved. In addition, this alteration is predicted to be tolerated by in silico analysis. Based on the available evidence, the clinical significance of this variant remains unclear.